The following is an entry in ClinVar:

NM_000465.4(BARD1):c.1530C>T (p.Val510=)

Gene: BARD1 (BRCA1 associated RING domain 1; minus strand). Cytogenetic location: 2q35.
Variant type: single nucleotide variant.
Coding change: c.1530C>T on transcript NM_000465.4 (MANE Select); coding-DNA position 1530, C replaced by T.
Protein change: p.Val510=; no amino-acid change (valine 510 retained).
Molecular consequence: synonymous variant. On other transcripts: non-coding transcript variant (3), intron variant (3).
Genome position (GRCh38, 1-based): chr2:214,767,520, G>A on the plus strand (C>T on the coding strand, the complement: BARD1 is on the minus strand). VCF-style: chr2-214767520-G-A. GRCh37 (hg19) VCF-style: chr2-215632244-G-A.
Other names: c.1530C>T (NM_000465.2); c.1473C>T, p.Val491= (NM_001282543.2); c.159-14965C>T (NM_001282548.2); c.216-14965C>T (NM_001282545.2); c.364+24777C>T (NM_001282549.2).
Identifiers: ClinVar variation 2774782 (VCV002774782.6), dbSNP rs2469442873, ClinGen allele CA431129138.

ClinVar aggregate classification (germline): Benign/Likely benign. Review status: criteria provided, multiple submitters, no conflicts (2 of 4 stars). 4 submissions from 4 submitters: Benign (1); Likely benign (3). Last evaluated 2026-02-16.

Conditions:
Hereditary cancer-predisposing syndrome. Also called: Tumor predisposition; Hereditary Cancer Syndrome; Hereditary neoplastic syndrome; Neoplastic Syndromes, Hereditary. Identifiers: Orphanet 140162, MedGen C0027672, MeSH D009386, MONDO:0015356.
Familial cancer of breast. Also called: Hereditary breast cancer; BREAST CANCER, FAMILIAL; hereditary breast carcinoma. Identifiers: Orphanet 227535, MedGen C0346153, MONDO:0016419, OMIM 114480. Disease mechanism: loss of function.

gnomAD v4.1: 1 of 1,613,964 alleles (0.000062%); highest among the groups gnomAD compares: Non-Finnish European, 0.000085%; no homozygotes.

Submissions (4):

Ambry Genetics
Classification: Likely benign for Hereditary cancer-predisposing syndrome. Last evaluated: 2026-02-16. Review status: criteria provided, single submitter. Criteria: Ambry Variant Classification Scheme 2023. Collection method: clinical testing. Allele origin: germline.

Labcorp Genetics (formerly Invitae), Labcorp
Classification: Likely benign for Familial cancer of breast. Last evaluated: 2024-08-12. Review status: criteria provided, single submitter. Criteria: Invitae Variant Classification Sherloc (09022015). Collection method: clinical testing. Allele origin: germline.

Myriad Genetics, Inc.
Classification: Benign for Familial cancer of breast. Last evaluated: 2024-07-25. Review status: criteria provided, single submitter. Criteria: Myriad Autosomal Dominant, Autosomal Recessive and X-Linked Classification Criteria (2023). Collection method: clinical testing. Allele origin: unknown.
Comment: This variant is considered benign. This variant is a silent/synonymous amino acid change and it is not expected to impact splicing.

Color Diagnostics, LLC DBA Color Health
Classification: Likely benign for Hereditary cancer-predisposing syndrome. Last evaluated: 2023-07-31. Review status: criteria provided, single submitter. Criteria: ACMG Guidelines, 2015. Collection method: clinical testing. Allele origin: germline.